The following is an entry in ClinVar:

ClinVar aggregate classification (germline): Likely benign. Review status: criteria provided, multiple submitters, no conflicts (2 of 4 stars). 2 submissions from 2 submitters: Likely benign (2). Last evaluated 2025-06-20.

Conditions:
Oxoglutaricaciduria. Identifiers: Orphanet 31, MedGen C2752074, MONDO:0008759, OMIM 203740.

Allele frequency attached by ClinVar (database versions not stated): ExAC 0.00007; gnomAD exomes 0.00009; gnomAD 0.00013; TOPMed 0.00024; 1000 Genomes Project 30x 0.00031; 1000 Genomes Project 0.00040.
gnomAD v4.1: 152 of 1,614,220 alleles (0.0094%); highest among the groups gnomAD compares: Admixed American, 0.047%; no homozygotes.

Submissions (2):

Labcorp Genetics (formerly Invitae), Labcorp
Classification: Likely benign for Oxoglutaricaciduria. Last evaluated: 2025-06-20. Review status: criteria provided, single submitter. Criteria: Invitae Variant Classification Sherloc (09022015). Collection method: clinical testing. Allele origin: germline.

CeGaT Center for Human Genetics Tuebingen
Classification: Likely benign. Last evaluated: 2022-12-01. Review status: criteria provided, single submitter. Criteria: CeGaT Center For Human Genetics Tuebingen Variant Classification Criteria Version 2. Collection method: clinical testing. Allele origin: germline. Affected: yes. Observed: 1 variant allele.
Comment: OGDH: BP4, BP7

NM_002541.4(OGDH):c.2904C>T (p.Tyr968=)

Gene: OGDH (oxoglutarate dehydrogenase; plus strand). Cytogenetic location: 7p13.
Variant type: single nucleotide variant.
Coding change: c.2904C>T on transcript NM_002541.4 (MANE Select); coding-DNA position 2904, C replaced by T.
Protein change: p.Tyr968=; no amino-acid change (tyrosine 968 retained).
Molecular consequence: synonymous variant.
Genome position (GRCh38, 1-based): chr7:44,707,689, C>T. VCF-style: chr7-44707689-C-T. GRCh37 (hg19) VCF-style: chr7-44747288-C-T.
Other names: c.2892C>T, p.Tyr964= (NM_001165036.2); c.2937C>T, p.Tyr979= (NM_001363523.2).
Identifiers: ClinVar variation 735209 (VCV000735209.34), dbSNP rs546154454, ClinGen allele CA4244236.